The following is an entry in ClinVar:

NM_020232.5(PSMG2):c.442C>A (p.Gln148Lys)

Gene: PSMG2 (proteasome assembly chaperone 2; plus strand). Cytogenetic location: 18p11.21.
Variant type: single nucleotide variant.
Coding change: c.442C>A on transcript NM_020232.5 (MANE Select); coding-DNA position 442, C replaced by A.
Protein change: p.Gln148Lys; replaces glutamine 148 with lysine.
Molecular consequence: missense variant.
Genome position (GRCh38, 1-based): chr18:12,720,544, C>A. VCF-style: chr18-12720544-C-A. GRCh37 (hg19) VCF-style: chr18-12720543-C-A.
Other names: c.442C>A (NM_020232.4); c.349C>A, p.Gln117Lys (NM_147163.2); short protein forms Q117K, Q148K.
Identifiers: ClinVar variation 1425023 (VCV001425023.9), dbSNP rs374887107, ClinGen allele CA8898409.

ClinVar aggregate classification (germline): Uncertain significance. Review status: criteria provided, multiple submitters, no conflicts (2 of 4 stars). 2 submissions from 2 submitters: Uncertain significance (2). Last evaluated 2026-01-25.

Allele frequency attached by ClinVar (database versions not stated): gnomAD 0.00008 and 0.00009; TOPMed 0.00009; ESP Exome Variant Server 0.00015.
gnomAD v4.1: 177 of 1,610,804 alleles (0.011%); highest among the groups gnomAD compares: Middle Eastern, 0.05%; 2 homozygotes.

Submissions (2):

Labcorp Genetics (formerly Invitae), Labcorp
Classification: Uncertain significance. Last evaluated: 2026-01-25. Review status: criteria provided, single submitter. Criteria: Invitae Variant Classification Sherloc (09022015). Collection method: clinical testing. Allele origin: germline.
Comment: This sequence change replaces glutamine, which is neutral and polar, with lysine, which is basic and polar, at codon 148 of the PSMG2 protein (p.Gln148Lys). This variant is present in population databases (rs374887107, gnomAD 0.02%). This variant has not been reported in the literature in individuals affected with PSMG2-related conditions. ClinVar contains an entry for this variant (Variation ID: 1425023). An algorithm developed to predict the effect of missense changes on protein structure and function outputs the following: PolyPhen-2: "Benign". The lysine amino acid residue is found in multiple mammalian species, which suggests that this missense change does not adversely affect protein function. In summary, the available evidence is currently insufficient to determine the role of this variant in disease. Therefore, it has been classified as a Variant of Uncertain Significance.

Ambry Genetics
Classification: Uncertain significance. Last evaluated: 2023-10-24. Review status: criteria provided, single submitter. Criteria: Ambry Variant Classification Scheme 2023. Collection method: clinical testing. Allele origin: germline.